The following is an entry in ClinVar:

NM_001103.4(ACTN2):c.1631T>C (p.Ile544Thr)

Gene: ACTN2 (actinin alpha 2; plus strand). Cytogenetic location: 1q43.
Variant type: single nucleotide variant.
Coding change: c.1631T>C on transcript NM_001103.4 (MANE Select); coding-DNA position 1631, T replaced by C.
Protein change: p.Ile544Thr; replaces isoleucine 544 with threonine.
Molecular consequence: missense variant.
Genome position (GRCh38, 1-based): chr1:236,749,239, T>C. VCF-style: chr1-236749239-T-C. GRCh37 (hg19) VCF-style: chr1-236912539-T-C.
Other names: c.1631T>C, p.Ile544Thr (NM_001278343.2); c.1007T>C, p.Ile336Thr (NM_001278344.2); c.881T>C, p.Ile294Thr (NM_001412150.1); short protein forms I544T, I336T, I294T.
Identifiers: ClinVar variation 2051708 (VCV002051708.6), dbSNP rs2527628132, ClinGen allele CA345385019.
Genomic context (GRCh38, chr1:236,749,239, plus strand): 5'-GGGCTGCTCCTTTCAACAATTGGATGGAGGGCGCTATGGAGGATCTGCAAGATATGTTCA[T>C]TGTCCACAGCATTGAGGAGATCCAGGTAATGGAACCGCAACTCTGTATGCCCTATGCATT-3'
Protein context (NP_001094.1, residues 534-554): GAMEDLQDMF[Ile544Thr]VHSIEEIQSL

ClinVar aggregate classification (germline): Uncertain significance. Review status: criteria provided, multiple submitters, no conflicts (2 of 4 stars). 2 submissions from 2 submitters: Uncertain significance (2). Last evaluated 2025-10-03.

Conditions:
Primary familial hypertrophic cardiomyopathy (HCM). Identifiers: Orphanet 99739, MedGen C0949658, MeSH D024741, MONDO:0024573. Inheritance: Various modes of inheritance.
Dilated cardiomyopathy 1AA (CMD1AA). Also called: Cardiomyopathy, dilated, 1AA, with or without LVNC; CARDIOMYOPATHY, DILATED, 1AA, WITH OR WITHOUT LEFT VENTRICULAR NONCOMPACTION; CARDIOMYOPATHY, FAMILIAL HYPERTROPHIC, 23, WITH OR WITHOUT LEFT VENTRICULAR NONCOMPACTION. Identifiers: Orphanet 154, MedGen C2677338, MONDO:0012808, OMIM 612158.

Submissions (2):

Dasa
Classification: Uncertain significance. Last evaluated: 2025-10-03. Review status: criteria provided, single submitter. Criteria: DASA Assertion Criteria. Collection method: clinical testing. Allele origin: germline.
Comment: NM_001103.4(ACTN2):c.1631T>C (p.Ile544Thr) is a missense variant that results in the substitution of isoleucine with threonine. This variant is absent from population databases. The currently available literature and clinical evidence are not sufficient to establish a definitive association between this variant and the reported condition. Therefore, this variant is classified as a variant of uncertain significance.

Labcorp Genetics (formerly Invitae), Labcorp
Classification: Uncertain significance for Primary familial hypertrophic cardiomyopathy; Dilated cardiomyopathy 1AA. Last evaluated: 2024-11-29. Review status: criteria provided, single submitter. Criteria: Invitae Variant Classification Sherloc (09022015). Collection method: clinical testing. Allele origin: germline.
Comment: This sequence change replaces isoleucine, which is neutral and non-polar, with threonine, which is neutral and polar, at codon 544 of the ACTN2 protein (p.Ile544Thr). This variant is not present in population databases (gnomAD no frequency). This variant has not been reported in the literature in individuals affected with ACTN2-related conditions. ClinVar contains an entry for this variant (Variation ID: 2051708). Invitae Evidence Modeling of protein sequence and biophysical properties (such as structural, functional, and spatial information, amino acid conservation, physicochemical variation, residue mobility, and thermodynamic stability) indicates that this missense variant is not expected to disrupt ACTN2 protein function with a negative predictive value of 80%. In summary, the available evidence is currently insufficient to determine the role of this variant in disease. Therefore, it has been classified as a Variant of Uncertain Significance.